The following is an entry in ClinVar:

NM_002878.4(RAD51D):c.186G>T (p.Ser62=)

Genes: RAD51L3-RFFL (RAD51L3-RFFL readthrough; minus strand), RAD51D (RAD51 paralog D; minus strand). Cytogenetic location: 17q12.
Variant type: single nucleotide variant.
Coding change: c.186G>T on transcript NM_002878.4 (MANE Select); coding-DNA position 186, G replaced by T.
Protein change: p.Ser62=; no amino-acid change (serine 62 retained).
Molecular consequence: synonymous variant. On other transcripts: intron variant (2).
Genome position (GRCh38, 1-based): chr17:35,118,578, C>A on the plus strand (G>T on the coding strand, the complement: RAD51D is on the minus strand). VCF-style: chr17-35118578-C-A. GRCh37 (hg19) VCF-style: chr17-33445597-C-A.
Other names: c.144+533G>T (NM_133629.3, NM_001142571.2).
Identifiers: ClinVar variation 1331880 (VCV001331880.3), dbSNP rs746984258, ClinGen allele CA728365702.

ClinVar aggregate classification (germline): Benign/Likely benign. Review status: criteria provided, multiple submitters, no conflicts (2 of 4 stars). 2 submissions from 2 submitters: Benign (1); Likely benign (1). Last evaluated 2025-02-20.

Conditions:
Breast-ovarian cancer, familial, susceptibility to, 4. Identifiers: Orphanet 145, MedGen C3280345, MONDO:0013669, OMIM 614291.
Hereditary cancer-predisposing syndrome. Also called: Tumor predisposition; Hereditary Cancer Syndrome; Neoplastic Syndromes, Hereditary; Hereditary neoplastic syndrome. Identifiers: Orphanet 140162, MedGen C0027672, MeSH D009386, MONDO:0015356.

Submissions (2):

Myriad Genetics, Inc.
Classification: Benign for Breast-ovarian cancer, familial, susceptibility to, 4. Last evaluated: 2025-02-20. Review status: criteria provided, single submitter. Criteria: Myriad Autosomal Dominant, Autosomal Recessive and X-Linked Classification Criteria (2023). Collection method: clinical testing. Allele origin: unknown.
Comment: This variant is considered benign. This variant is a silent/synonymous amino acid change and it is not expected to impact splicing.

Color Diagnostics, LLC DBA Color Health
Classification: Likely benign for Hereditary cancer-predisposing syndrome. Last evaluated: 2021-04-06. Review status: criteria provided, single submitter. Criteria: ACMG Guidelines, 2015. Collection method: clinical testing. Allele origin: germline.